The following is an entry in ClinVar:

NM_001605.3(AARS1):c.2275G>A (p.Glu759Lys)

Gene: AARS1 (alanyl-tRNA synthetase 1; minus strand). Cytogenetic location: 16q22.1.
Variant type: single nucleotide variant.
Coding change: c.2275G>A on transcript NM_001605.3 (MANE Select); coding-DNA position 2275, G replaced by A.
Protein change: p.Glu759Lys; replaces glutamic acid 759 with lysine.
Molecular consequence: missense variant.
Genome position (GRCh38, 1-based): chr16:70,255,739, C>T on the plus strand (G>A on the coding strand, the complement: AARS1 is on the minus strand). VCF-style: chr16-70255739-C-T. GRCh37 (hg19) VCF-style: chr16-70289642-C-T.
Other names: short protein forms E759K.
Identifiers: ClinVar variation 216547 (VCV000216547.13), dbSNP rs137894161, ClinGen allele CA337211.
Genomic context (GRCh38, chr16:70,255,739, plus strand): 5'-CTCCTCTTGCCTTCTTCAGATAAGCCACAAACCAGCCTGACCTGCTCACCTTCTGGGCCT[C>T]GGCACCTGTGACAGCCACAATCCTCCGGATACCCTTGGCAATGGCTTCTTCCGTCACGAT-3'
Protein context (NP_001596.2, residues 749-769): IRRIVAVTGA[Glu759Lys]AQKALRKAES

ClinVar aggregate classification (germline): Conflicting classifications of pathogenicity. Review status: criteria provided, conflicting classifications (1 of 4 stars). 4 submissions from 4 submitters: Uncertain significance (3); Likely benign (1). Last evaluated 2026-01-12.

Conditions:
AARS1-related disorder. Also called: AARS1-related condition.
Inborn genetic diseases. Identifiers: MedGen C0950123, MeSH D030342.
Charcot-Marie-Tooth disease type 2. Also called: Charcot-Marie-Tooth type 2. Identifiers: Orphanet 64746, MedGen C0270914, MONDO:0018993.

Allele frequency attached by ClinVar (database versions not stated): gnomAD exomes 0.00004 and 0.00008; ExAC 0.00007; gnomAD 0.00022 and 0.00020; ESP Exome Variant Server 0.00031; TOPMed 0.00031.
gnomAD v4.1: 89 of 1,614,004 alleles (0.0055%); highest among the groups gnomAD compares: African/African-American, 0.068%; no homozygotes.

Submissions (4):

Labcorp Genetics (formerly Invitae), Labcorp
Classification: Likely benign for Charcot-Marie-Tooth disease type 2. Last evaluated: 2026-01-12. Review status: criteria provided, single submitter. Criteria: Invitae Variant Classification Sherloc (09022015). Collection method: clinical testing. Allele origin: germline.

GeneDx
Classification: Uncertain significance. Last evaluated: 2025-12-30. Review status: criteria provided, single submitter. Criteria: GeneDx Variant Classification Process June 2021. Collection method: clinical testing. Allele origin: germline. Affected: yes.
Comment: Reported previously in the compound heterozygous state in a patient with partial seizure epilepsy, global developmental delay, and microcephaly (PMID: 34145886); In silico analysis supports that this missense variant has a deleterious effect on protein structure/function; This variant is associated with the following publications: (PMID: 25817015, 34145886)

PreventionGenetics, part of Exact Sciences
Classification: Uncertain significance for AARS1-related condition. Last evaluated: 2025-07-28. Review status: criteria provided, single submitter. Criteria: ACMG Guidelines, 2015. Collection method: clinical testing. Allele origin: germline.
Comment: The AARS1 c.2275G>A variant is predicted to result in the amino acid substitution p.Glu759Lys. This variant was reported in the compound heterozygous state with another AARS1 variant in an individual with epilepsy, developmental delay, and microcephaly (Table S1. Zou et al. 2021. PubMed ID: 34145886). This variant is reported in 0.048% of alleles in individuals of African descent in gnomAD, which may be too frequent to be a primary cause of autosomal dominant disease. At this time, the clinical significance of this variant is uncertain due to the absence of conclusive functional and genetic evidence.

Ambry Genetics
Classification: Uncertain significance for Inborn genetic diseases. Last evaluated: 2021-10-12. Review status: criteria provided, single submitter. Criteria: Ambry Variant Classification Scheme 2023. Collection method: clinical testing. Allele origin: germline.